The following is an entry in ClinVar:

Single allele

Variant type: Deletion.
Identifiers: ClinVar variation 157300 (VCV000157300.2).

ClinVar aggregate classification (germline): not provided (0 of 4 stars; one submission).

Conditions:
Large for gestational age. Identifiers: MedGen C1848395, HP:0001520.

Submission:

Institute of Molecular and Cell Biology, University of Tartu
No classification provided. Condition: Large for gestational age. Review status: no classification provided. Collection method: case-control. Allele origin: unknown. Affected: yes. Study: Kasak2014.
Comment: The study aimed to determine the contribution of copy number variants in the genetic etiology of normal and complicated pregnancies. The samples represented (i) maternal blood DNA drawn from healthy pregnant women during 1st or 2nd trimester and (ii) maternal and paternal blood DNA drawn at term pregnancy cases representing normal and complicated gestations (severe preeclampsia, PE; gestational diabetes, GD; small-for-gestational age newborn, SGA; large-for-gestational age newborn, LGA). We performed CNV calling based on genome-wide genotyping dataset (Illumina HumanOmniExpress-24-v1 BeadChip) by applying three algorithms, QuantiSNP, GADA (Genome Alteration Detection Algorithm) and CNstream in parallel. The acquired CNV calls were merged with HD-CNV (Hotspot Detector for Copy Number Variants) program and only the CNVs predicted by at least two programs, were considered in subsequent analysis.

Literature cited by the submitters: PubMed 25666259.